The following is an entry in ClinVar:

ClinVar aggregate classification (germline): Uncertain significance (1 of 4 stars; one submission).

Allele frequency attached by ClinVar (database versions not stated): ESP Exome Variant Server 0.00046; gnomAD 0.00019 and 0.00020; gnomAD exomes 0.00019 and 0.00041; TOPMed 0.00024; ExAC 0.00028.
gnomAD v4.1: 624 of 1,612,772 alleles (0.039%); highest among the groups gnomAD compares: Non-Finnish European, 0.05%; no homozygotes.

Submission:

Ambry Genetics
Classification: Uncertain significance. Last evaluated: 2024-09-24. Review status: criteria provided, single submitter. Criteria: Ambry Variant Classification Scheme 2023. Collection method: clinical testing. Allele origin: germline.

NM_021228.3(SCAF1):c.457G>T (p.Ala153Ser)

Gene: SCAF1 (SR-related CTD associated factor 1; plus strand). Cytogenetic location: 19q13.33.
Variant type: single nucleotide variant.
Coding change: c.457G>T on transcript NM_021228.3 (MANE Select); coding-DNA position 457, G replaced by T.
Protein change: p.Ala153Ser; replaces alanine 153 with serine.
Molecular consequence: missense variant.
Genome position (GRCh38, 1-based): chr19:49,646,809, G>T. VCF-style: chr19-49646809-G-T. GRCh37 (hg19) VCF-style: chr19-50150066-G-T.
Other names: short protein forms A153S.
Identifiers: ClinVar variation 1339911 (VCV001339911.6), dbSNP rs138792343, ClinGen allele CA9579362.